The following is an entry in ClinVar:

ClinVar aggregate classification (germline): Uncertain significance (1 of 4 stars; one submission).

Conditions:
Hereditary cancer-predisposing syndrome. Also called: Neoplastic Syndromes, Hereditary; Hereditary Cancer Syndrome; Hereditary neoplastic syndrome; Tumor predisposition. Identifiers: Orphanet 140162, MedGen C0027672, MeSH D009386, MONDO:0015356.

Submission:

Ambry Genetics
Classification: Uncertain significance for Hereditary cancer-predisposing syndrome. Last evaluated: 2023-03-24. Review status: criteria provided, single submitter. Criteria: Ambry Variant Classification Scheme 2023. Collection method: clinical testing. Allele origin: germline.
Comment: The p.A14S variant (also known as c.40G>T), located in coding exon 1 of the NTHL1 gene, results from a G to T substitution at nucleotide position 40. The alanine at codon 14 is replaced by serine, an amino acid with similar properties. This amino acid position is conserved. In addition, this alteration is predicted to be tolerated by in silico analysis. Since supporting evidence is limited at this time, the clinical significance of this alteration remains unclear.

NM_002528.7(NTHL1):c.16G>T (p.Ala6Ser)

Gene: NTHL1 (nth like DNA glycosylase 1; minus strand). Cytogenetic location: 16p13.3.
Variant type: single nucleotide variant.
Coding change: c.16G>T on transcript NM_002528.7 (MANE Select); coding-DNA position 16, G replaced by T.
Protein change: p.Ala6Ser; replaces alanine 6 with serine.
Molecular consequence: missense variant. On other transcripts: 5 prime UTR variant (1).
Genome position (GRCh38, 1-based): chr16:2,047,808, C>A on the plus strand (G>T on the coding strand, the complement: NTHL1 is on the minus strand). VCF-style: chr16-2047808-C-A. GRCh37 (hg19) VCF-style: chr16-2097809-C-A.
Other names: c.16G>T, p.Ala6Ser (NM_001318193.2); c.-163G>T (NM_001318194.2); short protein forms A6S.
Identifiers: ClinVar variation 2565690 (VCV002565690.2), dbSNP rs2150958724, ClinGen allele CA394298637.
Genomic context (GRCh38, chr16:2,047,808, plus strand): 5'-CCCTACACCCCCGCGGCCCAGCCCCGGGTCCCAGGCTCCGGCTCCGGGTCAGCATCCTCG[C>A]GCTCAAGGCGGTCATGCCGGACTCCTGCGGACTACACATCCCGGCGGCCCATGCGGCCCC-3'
Protein context (NP_002519.2, residues 1-16): MTALS[Ala6Ser]RMLTRSRSLG